The following is an entry in ClinVar:

ClinVar aggregate classification (germline): Uncertain significance (1 of 4 stars; one submission).

Submission:

Labcorp Genetics (formerly Invitae), Labcorp
Classification: Uncertain significance. Last evaluated: 2025-02-18. Review status: criteria provided, single submitter. Criteria: Invitae Variant Classification Sherloc (09022015). Collection method: clinical testing. Allele origin: germline.
Comment: This sequence change replaces glutamic acid, which is acidic and polar, with aspartic acid, which is acidic and polar, at codon 337 of the SMARCB1 protein (p.Glu337Asp). This variant is not present in population databases (gnomAD no frequency). This variant has not been reported in the literature in individuals affected with SMARCB1-related conditions. ClinVar contains an entry for this variant (Variation ID: 2862170). Invitae Evidence Modeling of protein sequence and biophysical properties (such as structural, functional, and spatial information, amino acid conservation, physicochemical variation, residue mobility, and thermodynamic stability) indicates that this missense variant is not expected to disrupt SMARCB1 protein function with a negative predictive value of 80%. In summary, the available evidence is currently insufficient to determine the role of this variant in disease. Therefore, it has been classified as a Variant of Uncertain Significance.

NM_003073.5(SMARCB1):c.1011G>T (p.Glu337Asp)

Gene: SMARCB1 (SWI/SNF related BAF chromatin remodeling complex subunit B1; plus strand). Cytogenetic location: 22q11.23.
Variant type: single nucleotide variant.
Coding change: c.1011G>T on transcript NM_003073.5 (MANE Select); coding-DNA position 1011, G replaced by T.
Protein change: p.Glu337Asp; replaces glutamic acid 337 with aspartic acid.
Molecular consequence: missense variant.
Genome position (GRCh38, 1-based): chr22:23,833,596, G>T. VCF-style: chr22-23833596-G-T. GRCh37 (hg19) VCF-style: chr22-24175783-G-T.
Other names: c.984G>T, p.Glu328Asp (NM_001007468.3); c.1038G>T, p.Glu346Asp (NM_001317946.2); c.1065G>T, p.Glu355Asp (NM_001362877.2); short protein forms E328D, E337D, E346D, E355D.
Identifiers: ClinVar variation 2862170 (VCV002862170.3), dbSNP rs2517739524, ClinGen allele CA410913017.
Genomic context (GRCh38, chr22:23,833,596, plus strand): 5'-AAAAGTCATTCCTCTCACTGCCTCCCCTCCTCGTAGCGAGAACCCTCTGCCCACAGTGGA[G>T]ATTGCCATCCGGAACACGGGCGATGCGGACCAGTGGTGCCCACTGCTGGAGACTCTGACA-3'
Protein context (NP_003064.2, residues 327-347): AFSENPLPTV[Glu337Asp]IAIRNTGDAD